The following is an entry in ClinVar:

ClinVar aggregate classification (germline): Uncertain significance (1 of 4 stars; one submission).

Conditions:
Hereditary cancer-predisposing syndrome. Also called: Tumor predisposition; Neoplastic Syndromes, Hereditary; Hereditary Cancer Syndrome; Hereditary neoplastic syndrome. Identifiers: Orphanet 140162, MedGen C0027672, MeSH D009386, MONDO:0015356.

Submission:

Ambry Genetics
Classification: Uncertain significance for Hereditary cancer-predisposing syndrome. Last evaluated: 2024-11-09. Review status: criteria provided, single submitter. Criteria: Ambry Variant Classification Scheme 2023. Collection method: clinical testing. Allele origin: germline.
Comment: The p.E3335Q variant (also known as c.10003G>C), located in coding exon 26 of the BRCA2 gene, results from a G to C substitution at nucleotide position 10003. The glutamic acid at codon 3335 is replaced by glutamine, an amino acid with highly similar properties. This amino acid position is conserved. In addition, this alteration is predicted to be tolerated by in silico analysis. Based on the available evidence, the clinical significance of this variant remains unclear.

NM_000059.4(BRCA2):c.10003G>C (p.Glu3335Gln)

Gene: BRCA2 (BRCA2 DNA repair associated; plus strand). Cytogenetic location: 13q13.1.
Variant type: single nucleotide variant.
Coding change: c.10003G>C on transcript NM_000059.4 (MANE Select); coding-DNA position 10003, G replaced by C.
Protein change: p.Glu3335Gln; replaces glutamic acid 3335 with glutamine.
Molecular consequence: missense variant. On other transcripts: non-coding transcript variant (1).
Genome position (GRCh38, 1-based): chr13:32,398,516, G>C. VCF-style: chr13-32398516-G-C. GRCh37 (hg19) VCF-style: chr13-32972653-G-C.
Other names: c.9907G>C, p.Glu3303Gln (NM_001406719.1); c.9952G>C, p.Glu3318Gln (NM_001406720.1); c.5071G>C, p.Glu1691Gln (NM_001406721.1); c.3586G>C, p.Glu1196Gln (NM_001406722.1); c.10003G>C, p.Glu3335Gln (NM_001432077.1); short protein forms E1691Q, E3303Q, E1196Q, E3335Q, E3318Q.
Identifiers: ClinVar variation 3482174 (VCV003482174.1).
Genomic context (GRCh38, chr13:32,398,516, plus strand): 5'-AAAGAACTGAATTCTCCTCAGATGACTCCATTTAAAAAATTCAATGAAATTTCTCTTTTG[G>C]AAAGTAATTCAATAGCTGACGAAGAACTTGCATTGATAAATACCCAAGCTCTTTTGTCTG-3'
Protein context (NP_000050.3, residues 3325-3345): FKKFNEISLL[Glu3335Gln]SNSIADEELA